The following is an entry in ClinVar:

ClinVar aggregate classification (germline): Uncertain significance (1 of 4 stars; one submission).

Conditions:
Cardiovascular phenotype. Identifiers: MedGen CN230736.
Hereditary cancer-predisposing syndrome. Also called: Hereditary Cancer Syndrome; Neoplastic Syndromes, Hereditary; Tumor predisposition; Hereditary neoplastic syndrome. Identifiers: Orphanet 140162, MedGen C0027672, MeSH D009386, MONDO:0015356.

Submission:

Ambry Genetics
Classification: Uncertain significance for Cardiovascular phenotype; Hereditary cancer-predisposing syndrome. Last evaluated: 2021-03-10. Review status: criteria provided, single submitter. Criteria: Ambry Variant Classification Scheme 2023. Collection method: clinical testing. Allele origin: germline.
Comment: The c.-4G>A variant is located in the 5' untranslated region (5&rsquo; UTR) of the NF1 gene. This variant results from a G to A substitution 4 bases upstream from the first translated codon. This nucleotide position is highly conserved in available vertebrate species. Since supporting evidence is limited at this time, the clinical significance of this alteration remains unclear.

NM_001042492.3(NF1):c.-4G>A

Genes: MIR4733HG (MIR4733 host gene; minus strand), NF1 (neurofibromin 1; plus strand), LOC111811965 (NF1 (neurofibromin 1) promoter region; plus strand). Cytogenetic location: 17q11.2.
Variant type: single nucleotide variant.
Coding change: c.-4G>A on transcript NM_001042492.3 (MANE Select); 4 bases upstream of the start codon, G replaced by A.
Molecular consequence: 5 prime UTR variant. On other transcripts: non-coding transcript variant (1).
Genome position (GRCh38, 1-based): chr17:31,095,306, G>A. VCF-style: chr17-31095306-G-A. GRCh37 (hg19) VCF-style: chr17-29422324-G-A.
Other names: c.-4G>A (NM_000267.4, NM_001128147.3).
Identifiers: ClinVar variation 1744707 (VCV001744707.2), dbSNP rs1911548907, ClinGen allele CA499197483.